The following is an entry in ClinVar:

ClinVar aggregate classification (germline): Uncertain significance (1 of 4 stars; one submission).

Allele frequency attached by ClinVar (database versions not stated): TOPMed below 0.00001; gnomAD 0.00002; ExAC 0.00003; 1000 Genomes Project 30x 0.00031.

Submission:

Ambry Genetics
Classification: Uncertain significance. Last evaluated: 2024-06-13. Review status: criteria provided, single submitter. Criteria: Ambry Variant Classification Scheme 2023. Collection method: clinical testing. Allele origin: germline.
Comment: The p.G25R variant (also known as c.73G>C), located in coding exon 1 of the POLQ gene, results from a G to C substitution at nucleotide position 73. The glycine at codon 25 is replaced by arginine, an amino acid with dissimilar properties. This amino acid position is conserved. In addition, this alteration is predicted to be tolerated by in silico analysis. Since supporting evidence is limited at this time, the clinical significance of this alteration remains unclear.

NM_199420.4(POLQ):c.73G>C (p.Gly25Arg)

Genes: POLQ (DNA polymerase theta; minus strand), LOC112872292 (Sharpr-MPRA regulatory region 30; plus strand). Cytogenetic location: 3q13.33.
Variant type: single nucleotide variant.
Coding change: c.73G>C on transcript NM_199420.4 (MANE Select); coding-DNA position 73, G replaced by C.
Protein change: p.Gly25Arg; replaces glycine 25 with arginine.
Molecular consequence: missense variant.
Genome position (GRCh38, 1-based): chr3:121,545,805, C>G on the plus strand (G>C on the coding strand, the complement: POLQ is on the minus strand). VCF-style: chr3-121545805-C-G. GRCh37 (hg19) VCF-style: chr3-121264652-C-G.
Other names: short protein forms G25R.
Identifiers: ClinVar variation 1758731 (VCV001758731.3), dbSNP rs754281228, ClinGen allele CA2563922.
Genomic context (GRCh38, chr3:121,545,805, plus strand): 5'-GGCCGGGCGGCGGGCTCAGCACGGACCCGGAGAGGAACTGGGGGCTGGCACTGCTGTCAC[C>G]GCCGCTTCCCGAGAACGAATCTGAGCCTGATTCTGAACGCCGCCGTTTCCCACTCCGACG-3'
Protein context (NP_955452.3, residues 15-35): SGSDSFSGSG[Gly25Arg]DSSASPQFLS